The following is an entry in ClinVar:

NM_000548.5(TSC2):c.3883+4T>C

Gene: TSC2 (TSC complex subunit 2; plus strand). Cytogenetic location: 16p13.3.
Variant type: single nucleotide variant.
Coding change: c.3883+4T>C on transcript NM_000548.5 (MANE Select); 4 bases into the intron after coding-DNA position 3883, T replaced by C.
Molecular consequence: intron variant.
Genome position (GRCh38, 1-based): chr16:2,082,508, T>C. VCF-style: chr16-2082508-T-C. GRCh37 (hg19) VCF-style: chr16-2132509-T-C.
Other names: c.3883+4T>C (NM_000548.3); c.3814+710T>C (NM_001114382.3); c.3754+4T>C (NM_021055.3, NM_001370405.1); c.3685+710T>C (NM_001363528.2); c.3751+4T>C (NM_001370404.1); c.3682+710T>C (NM_001077183.3); c.3574+710T>C (NM_001318827.2); c.3151+4T>C (NM_001318831.2); and 2 more.
Identifiers: ClinVar variation 1504408 (VCV001504408.8), dbSNP rs2090269579, ClinGen allele CA2202040500.

ClinVar aggregate classification (germline): Uncertain significance. Review status: criteria provided, multiple submitters, no conflicts (2 of 4 stars). 3 submissions from 3 submitters: Uncertain significance (3). Last evaluated 2025-12-09.

Conditions:
Hereditary cancer-predisposing syndrome. Also called: Tumor predisposition; Hereditary neoplastic syndrome; Neoplastic Syndromes, Hereditary; Hereditary Cancer Syndrome. Identifiers: Orphanet 140162, MedGen C0027672, MeSH D009386, MONDO:0015356.
Tuberous sclerosis 2 (TSC2). Identifiers: Orphanet 805, MedGen C1860707, MONDO:0013199, OMIM 613254.

Allele frequency attached by ClinVar (database versions not stated): gnomAD exomes below 0.00001.
gnomAD v4.1: 1 of 1,611,190 alleles (0.000062%); highest among the groups gnomAD compares: South Asian, 0.0011%; no homozygotes.

Submissions (3):

Labcorp Genetics (formerly Invitae), Labcorp
Classification: Uncertain significance for Tuberous sclerosis 2. Last evaluated: 2025-12-09. Review status: criteria provided, single submitter. Criteria: Invitae Variant Classification Sherloc (09022015). Collection method: clinical testing. Allele origin: germline.
Comment: This sequence change falls in intron 32 of the TSC2 gene. It does not directly change the encoded amino acid sequence of the TSC2 protein. It affects a nucleotide within the consensus splice site. This variant is not present in population databases (gnomAD no frequency). This variant has not been reported in the literature in individuals affected with TSC2-related conditions. ClinVar contains an entry for this variant (Variation ID: 1504408). Variants that disrupt the consensus splice site are a relatively common cause of aberrant splicing (PMID: 17576681, 9536098). Algorithms developed to predict the effect of sequence changes on RNA splicing suggest that this variant is not likely to affect RNA splicing. In summary, the available evidence is currently insufficient to determine the role of this variant in disease. Therefore, it has been classified as a Variant of Uncertain Significance.

Quest Diagnostics Nichols Institute San Juan Capistrano
Classification: Uncertain significance. Last evaluated: 2025-06-25. Review status: criteria provided, single submitter. Criteria: Quest Diagnostics criteria. Collection method: clinical testing. Allele origin: unknown.

Ambry Genetics
Classification: Uncertain significance for Hereditary cancer-predisposing syndrome. Last evaluated: 2025-05-02. Review status: criteria provided, single submitter. Criteria: Ambry Variant Classification Scheme 2023. Collection method: clinical testing. Allele origin: germline.
Comment: The c.3883+4T>C intronic variant results from a T to C substitution 4 nucleotides after coding exon 31 in the TSC2 gene. This nucleotide position is not well conserved in available vertebrate species. In silico splice site analysis predicts that this alteration will not have any significant effect on splicing. Based on the available evidence, the clinical significance of this variant remains unclear.

Literature cited by the submitters: PubMed 17576681 (cited by Labcorp Genetics (formerly Invitae), Labcorp); PubMed 9536098 (cited by Labcorp Genetics (formerly Invitae), Labcorp).